The following is an entry in ClinVar:

ClinVar aggregate classification (germline): Uncertain significance (1 of 4 stars; one submission).

Conditions:
Hereditary spastic paraplegia 48. Also called: SPASTIC PARAPLEGIA 48, AUTOSOMAL RECESSIVE; Spastic paraplegia 48. Identifiers: Orphanet 306511, MedGen C3150901, MONDO:0013342, OMIM 613647.

Allele frequency attached by ClinVar (database versions not stated): gnomAD exomes 0.00001 and 0.00003; TOPMed 0.00002; ExAC 0.00003; gnomAD 0.00003 and 0.00004.
gnomAD v4.1: 25 of 1,569,194 alleles (0.0016%); highest among the groups gnomAD compares: Non-Finnish European, 0.0019%; no homozygotes.

Submission:

Labcorp Genetics (formerly Invitae), Labcorp
Classification: Uncertain significance for Hereditary spastic paraplegia 48. Last evaluated: 2024-10-23. Review status: criteria provided, single submitter. Criteria: Invitae Variant Classification Sherloc (09022015). Collection method: clinical testing. Allele origin: germline.
Comment: This sequence change replaces leucine, which is neutral and non-polar, with valine, which is neutral and non-polar, at codon 119 of the AP5Z1 protein (p.Leu119Val). This variant is present in population databases (rs751601075, gnomAD 0.008%). This variant has not been reported in the literature in individuals affected with AP5Z1-related conditions. ClinVar contains an entry for this variant (Variation ID: 1509763). Invitae Evidence Modeling of protein sequence and biophysical properties (such as structural, functional, and spatial information, amino acid conservation, physicochemical variation, residue mobility, and thermodynamic stability) indicates that this missense variant is not expected to disrupt AP5Z1 protein function with a negative predictive value of 80%. In summary, the available evidence is currently insufficient to determine the role of this variant in disease. Therefore, it has been classified as a Variant of Uncertain Significance.

NM_014855.3(AP5Z1):c.355C>G (p.Leu119Val)

Gene: AP5Z1 (adaptor related protein complex 5 subunit zeta 1; plus strand). Cytogenetic location: 7p22.1.
Variant type: single nucleotide variant.
Coding change: c.355C>G on transcript NM_014855.3 (MANE Select); coding-DNA position 355, C replaced by G.
Protein change: p.Leu119Val; replaces leucine 119 with valine.
Molecular consequence: missense variant. On other transcripts: non-coding transcript variant (1), intron variant (1).
Genome position (GRCh38, 1-based): chr7:4,781,743, C>G. VCF-style: chr7-4781743-C-G. GRCh37 (hg19) VCF-style: chr7-4821374-C-G.
Other names: c.-103+431C>G (NM_001364858.1); short protein forms L119V.
Identifiers: ClinVar variation 1509763 (VCV001509763.8), dbSNP rs751601075, ClinGen allele CA4137151.